The following is an entry in ClinVar:

NM_006766.5(KAT6A):c.1465C>T (p.Gln489Ter)

Gene: KAT6A (lysine acetyltransferase 6A; minus strand). Cytogenetic location: 8p11.21.
Variant type: single nucleotide variant.
Coding change: c.1465C>T on transcript NM_006766.5 (MANE Select); coding-DNA position 1465, C replaced by T.
Protein change: p.Gln489Ter; replaces glutamine 489 with a stop codon.
Molecular consequence: nonsense.
Genome position (GRCh38, 1-based): chr8:41,974,721, G>A on the plus strand (C>T on the coding strand, the complement: KAT6A is on the minus strand). VCF-style: chr8-41974721-G-A. GRCh37 (hg19) VCF-style: chr8-41832239-G-A.
Other names: c.1465C>T, p.Gln489Ter (NM_001305878.2); short protein forms Q489*.
Identifiers: ClinVar variation 4727802 (VCV004727802.1).

ClinVar aggregate classification (germline): Pathogenic (1 of 4 stars; one submission).

Submission:

Labcorp Genetics (formerly Invitae), Labcorp
Classification: Pathogenic. Last evaluated: 2025-09-24. Review status: criteria provided, single submitter. Criteria: Invitae Variant Classification Sherloc (09022015). Collection method: clinical testing. Allele origin: germline.
Comment: This sequence change creates a premature translational stop signal (p.Gln489*) in the KAT6A gene. It is expected to result in an absent or disrupted protein product. Loss-of-function variants in KAT6A are known to be pathogenic (PMID: 25728775, 25728777, 27133397). This variant is not present in population databases (gnomAD no frequency). This variant has not been reported in the literature in individuals affected with KAT6A-related conditions. For these reasons, this variant has been classified as Pathogenic.

Literature cited by the submitters: PubMed 25728775; PubMed 25728777; PubMed 27133397.